The following is an entry in ClinVar:

NM_017636.4(TRPM4):c.2990C>A (p.Pro997His)

Gene: TRPM4 (transient receptor potential cation channel subfamily M member 4; plus strand). Cytogenetic location: 19q13.33.
Variant type: single nucleotide variant.
Coding change: c.2990C>A on transcript NM_017636.4 (MANE Select); coding-DNA position 2990, C replaced by A.
Protein change: p.Pro997His; replaces proline 997 with histidine.
Molecular consequence: missense variant.
Genome position (GRCh38, 1-based): chr19:49,202,000, C>A. VCF-style: chr19-49202000-C-A. GRCh37 (hg19) VCF-style: chr19-49705257-C-A.
Other names: c.2555C>A, p.Pro852His (NM_001195227.2); c.2645C>A, p.Pro882His (NM_001321281.2); c.1382C>A, p.Pro461His (NM_001321282.2); c.2468C>A, p.Pro823His (NM_001321283.2); c.1928C>A, p.Pro643His (NM_001321285.2); short protein forms P823H, P852H, P882H, P643H, P997H, P461H.
Identifiers: ClinVar variation 1798517 (VCV001798517.8), dbSNP rs1318299595, ClinGen allele CA406812639.

ClinVar aggregate classification (germline): Uncertain significance. Review status: criteria provided, multiple submitters, no conflicts (2 of 4 stars). 2 submissions from 2 submitters: Uncertain significance (2). Last evaluated 2025-11-07.

Conditions:
Cardiovascular phenotype. Identifiers: MedGen CN230736.
Progressive familial heart block type IB (PFHB1B). Identifiers: Orphanet 871, MedGen C1970298, MONDO:0011474, OMIM 604559.

Allele frequency attached by ClinVar (database versions not stated): gnomAD exomes below 0.00001; gnomAD 0.00001; TOPMed 0.00001.

Submissions (2):

Ambry Genetics
Classification: Uncertain significance for Cardiovascular phenotype. Last evaluated: 2025-11-07. Review status: criteria provided, single submitter. Criteria: Ambry Variant Classification Scheme 2023. Collection method: clinical testing. Allele origin: germline.
Comment: The p.P997H variant (also known as c.2990C>A), located in coding exon 20 of the TRPM4 gene, results from a C to A substitution at nucleotide position 2990. The proline at codon 997 is replaced by histidine, an amino acid with similar properties. This amino acid position is conserved. In addition, this alteration is predicted to be tolerated by in silico analysis. Since supporting evidence is limited at this time, the clinical significance of this alteration remains unclear.

Labcorp Genetics (formerly Invitae), Labcorp
Classification: Uncertain significance for Progressive familial heart block type IB. Last evaluated: 2022-04-09. Review status: criteria provided, single submitter. Criteria: Invitae Variant Classification Sherloc (09022015). Collection method: clinical testing. Allele origin: germline.
Comment: In summary, the available evidence is currently insufficient to determine the role of this variant in disease. Therefore, it has been classified as a Variant of Uncertain Significance. This sequence change replaces proline, which is neutral and non-polar, with histidine, which is basic and polar, at codon 997 of the TRPM4 protein (p.Pro997His). The frequency data for this variant in the population databases is considered unreliable, as metrics indicate poor data quality at this position in the gnomAD database. This variant has not been reported in the literature in individuals affected with TRPM4-related conditions. Algorithms developed to predict the effect of missense changes on protein structure and function output the following: SIFT: "Tolerated"; PolyPhen-2: "Benign"; Align-GVGD: "Class C0". The histidine amino acid residue is found in multiple mammalian species, which suggests that this missense change does not adversely affect protein function.